The following is an entry in ClinVar:

ClinVar aggregate classification (germline): Likely pathogenic (1 of 4 stars; one submission).

Submission:

GeneDx
Classification: Likely pathogenic. Last evaluated: 2014-12-22. Review status: criteria provided, single submitter. Criteria: GeneDx Variant Classification (06012015). Collection method: clinical testing. Allele origin: germline. Affected: yes.
Comment: This pathogenic variant is denoted MUTYH c.1491T>G at the cDNA level and p.Tyr497Ter (Y497X) at the protein level. The substitution creates a nonsense variant, which changes a Tyrosine to a premature stop codon (TAT>TAG), and is predicted to cause loss of normal protein function through protein truncation. Although this variant has not, to our knowledge, been reported in the literature, it is considered likely pathogenic.

NM_001048174.2(MUTYH):c.1407T>G (p.Tyr469Ter)

Gene: MUTYH (mutY DNA glycosylase; minus strand). Cytogenetic location: 1p34.1.
Variant type: single nucleotide variant.
Coding change: c.1407T>G on transcript NM_001048174.2 (MANE Select); coding-DNA position 1407, T replaced by G.
Protein change: p.Tyr469Ter; replaces tyrosine 469 with a stop codon.
Molecular consequence: nonsense. On other transcripts: non-coding transcript variant (2).
Genome position (GRCh38, 1-based): chr1:45,330,543, A>C on the plus strand (T>G on the coding strand, the complement: MUTYH is on the minus strand). VCF-style: chr1-45330543-A-C. GRCh37 (hg19) VCF-style: chr1-45796215-A-C.
Other names: c.1407T>G, p.Tyr469Ter (NM_001048171.2, NM_001048173.2, NM_001293195.2); c.1410T>G, p.Tyr470Ter (NM_001048172.2); c.1491T>G, p.Tyr497Ter (NM_001128425.2); c.1452T>G, p.Tyr484Ter (NM_001293190.2); c.1440T>G, p.Tyr480Ter (NM_001293191.2); c.1131T>G, p.Tyr377Ter (NM_001293192.2, NM_001293196.2); c.1062T>G, p.Tyr354Ter (NM_001350650.2, NM_001350651.2); c.1482T>G, p.Tyr494Ter (NM_012222.3); short protein forms Y497*, Y470*, Y354*, Y377*, Y469*, Y494*, Y480*, Y484*.
Identifiers: ClinVar variation 418343 (VCV000418343.2), dbSNP rs1064793198, ClinGen allele CA16617152.